The following is an entry in ClinVar:

ClinVar aggregate classification (germline): Benign. Review status: criteria provided, single submitter (1 of 4 stars). 2 submissions from 2 submitters: Benign (1). 1 of the submissions does not count toward it. Last evaluated 2019-12-31.

Conditions:
BRD2-related disorder. Also called: BRD2-related condition.

Allele frequency attached by ClinVar (database versions not stated): 1000 Genomes Project 0.00120; 1000 Genomes Project 30x 0.00156; gnomAD 0.00436 and 0.00482; gnomAD exomes 0.00456 and 0.00527; TOPMed 0.00470; ESP Exome Variant Server 0.00474; ExAC 0.00524.
gnomAD v4.1: 7,459 of 1,613,072 alleles (0.46%); highest among the groups gnomAD compares: Middle Eastern, 0.48%; 54 homozygotes.

Submissions (2):

Labcorp Genetics (formerly Invitae), Labcorp
Classification: Benign. Last evaluated: 2019-12-31. Review status: criteria provided, single submitter. Criteria: Invitae Variant Classification Sherloc (09022015). Collection method: clinical testing. Allele origin: germline.

PreventionGenetics, part of Exact Sciences
Classification: Benign for BRD2-related condition. Last evaluated: 2019-10-02. Review status: no assertion criteria provided. Collection method: clinical testing. Allele origin: germline. Not counted in ClinVar's aggregate classification.
Comment: This variant is classified as benign based on ACMG/AMP sequence variant interpretation guidelines (Richards et al. 2015 PMID: 25741868, with internal and published modifications).

NM_005104.4(BRD2):c.712C>T (p.Leu238Phe)

Gene: BRD2 (bromodomain containing 2; plus strand). Cytogenetic location: 6p21.32.
Variant type: single nucleotide variant.
Coding change: c.712C>T on transcript NM_005104.4 (MANE Select); coding-DNA position 712, C replaced by T.
Protein change: p.Leu238Phe; replaces leucine 238 with phenylalanine.
Molecular consequence: missense variant.
Genome position (GRCh38, 1-based): chr6:32,976,351, C>T. VCF-style: chr6-32976351-C-T. GRCh37 (hg19) VCF-style: chr6-32944128-C-T.
Other names: c.712C>T, p.Leu238Phe (NM_001113182.3, NM_001199455.1); c.571C>T, p.Leu191Phe (NM_001199456.2); c.352C>T, p.Leu118Phe (NM_001291986.2); c.571C>T (NM_001199456.1); short protein forms L118F, L191F, L238F.
Identifiers: ClinVar variation 785805 (VCV000785805.6), dbSNP rs176250, ClinGen allele CA3748290.